The following is an entry in ClinVar:

ClinVar aggregate classification (germline): Conflicting classifications of pathogenicity. Review status: criteria provided, conflicting classifications (1 of 4 stars). 8 submissions from 8 submitters: Uncertain significance (6); Likely benign (2). Last evaluated 2026-03-27.

Conditions:
Autosomal recessive limb-girdle muscular dystrophy type 2J (LGMDR10). Also called: Limb-girdle muscular dystrophy, type 2J; MUSCULAR DYSTROPHY, LIMB-GIRDLE, AUTOSOMAL RECESSIVE 10. Identifiers: Orphanet 140922, MedGen C1837342, MONDO:0012127, OMIM 608807.
Dilated cardiomyopathy 1G (CMD1G). Identifiers: Orphanet 154, MedGen C1858763, MONDO:0011400, OMIM 604145.
Cardiovascular phenotype. Identifiers: MedGen CN230736.
Cardiomyopathy (CMYO). Also called: Cardiomyopathies. Identifiers: Orphanet 167848, MedGen C0878544, MONDO:0004994, HP:0001638. Inheritance: Various modes of inheritance.

Allele frequency attached by ClinVar (database versions not stated): gnomAD 0.00001; ExAC 0.00002; gnomAD exomes 0.00002; TOPMed 0.00002.
gnomAD v4.1: 34 of 1,576,656 alleles (0.0022%); highest among the groups gnomAD compares: Non-Finnish European, 0.0029%; no homozygotes.

Submissions (8):

Molecular Diagnostic Laboratory for Inherited Cardiovascular Disease, Montreal Heart Institute
Classification: Likely benign. Last evaluated: 2026-03-27. Review status: criteria provided, single submitter. Criteria: ACMG Guidelines, 2015. Collection method: clinical testing. Allele origin: germline. Affected: no.

Blueprint Genetics
Classification: Likely benign. Last evaluated: 2024-11-21. Review status: criteria provided, single submitter. Criteria: ACMG Guidelines, 2015. Collection method: clinical testing. Allele origin: germline.

Revvity Omics, Revvity
Classification: Uncertain significance. Last evaluated: 2023-02-27. Review status: criteria provided, single submitter. Criteria: ACMG Guidelines, 2015. Collection method: clinical testing. Allele origin: germline.

Ambry Genetics
Classification: Uncertain significance for Cardiovascular phenotype. Last evaluated: 2020-07-29. Review status: criteria provided, single submitter. Criteria: Ambry Variant Classification Scheme 2023. Collection method: clinical testing. Allele origin: germline.
Comment: The p.G11391S variant (also known as c.34171G>A), located in coding exon 131 of the TTN gene, results from a G to A substitution at nucleotide position 34171. The glycine at codon 11391 is replaced by serine, an amino acid with similar properties. This amino acid position is highly conserved in available vertebrate species. In addition, this alteration is predicted to be tolerated by in silico analysis. Since supporting evidence is limited at this time, the clinical significance of this alteration remains unclear.

CHEO Genetics Diagnostic Laboratory, Children's Hospital of Eastern Ontario
Classification: Uncertain significance for Cardiomyopathy. Last evaluated: 2020-05-14. Review status: criteria provided, single submitter. Criteria: ACMG Guidelines, 2015. Collection method: clinical testing. Allele origin: germline.

Labcorp Genetics (formerly Invitae), Labcorp
Classification: Uncertain significance for Dilated cardiomyopathy 1G; Autosomal recessive limb-girdle muscular dystrophy type 2J. Last evaluated: 2017-03-17. Review status: criteria provided, single submitter. Criteria: Invitae Variant Classification Sherloc (09022015). Collection method: clinical testing. Allele origin: germline.

Laboratory for Molecular Medicine, Mass General Brigham Personalized Medicine
Classification: Uncertain significance. Last evaluated: 2016-01-26. Review status: criteria provided, single submitter. Criteria: LMM Criteria. Collection method: clinical testing. Allele origin: germline. Observed: 2 variant alleles.
Comment: The p.Gly17888Ser variant in TTN has not been previously reported in individuals with cardiomyopathy, but has been identified in 2/64398 European chromosomes by the Exome Aggregation Consortium (ExAC). Comput ational prediction tools and conservation analysis do not provide strong support for or against an impact to the protein. In summary, the clinical significance of the p.Gly17888Ser variant is uncertain.

Eurofins Ntd Llc (ga)
Classification: Uncertain significance. Last evaluated: 2014-12-10. Review status: criteria provided, single submitter. Criteria: EGL Classification Definitions 2015. Collection method: clinical testing. Allele origin: germline. Observed: 3 variant alleles, 3 heterozygotes.

NM_001267550.2(TTN):c.61366G>A (p.Gly20456Ser)

Genes: TTN (titin; minus strand), TTN-AS1 (TTN antisense RNA 1; plus strand). Cytogenetic location: 2q31.2.
Variant type: single nucleotide variant.
Coding change: c.61366G>A on transcript NM_001267550.2 (MANE Select); coding-DNA position 61366, G replaced by A.
Protein change: p.Gly20456Ser; replaces glycine 20456 with serine.
Molecular consequence: missense variant.
Genome position (GRCh38, 1-based): chr2:178,590,359, C>T on the plus strand (G>A on the coding strand, the complement: TTN is on the minus strand). VCF-style: chr2-178590359-C-T. GRCh37 (hg19) VCF-style: chr2-179455086-C-T.
Other names: c.53662G>A, p.Gly17888Ser (NM_133378.4); c.56443G>A, p.Gly18815Ser (NM_001256850.1); c.34171G>A, p.Gly11391Ser (NM_003319.4); c.34546G>A, p.Gly11516Ser (NM_133432.3); c.34747G>A, p.Gly11583Ser (NM_133437.4); short protein forms G20456S, G17888S, G11391S, G11583S, G18815S, G11516S.
Identifiers: ClinVar variation 195919 (VCV000195919.19), dbSNP rs756873840, ClinGen allele CA242605.